The following is an entry in ClinVar:

NM_000553.6(WRN):c.3538A>G (p.Thr1180Ala)

Gene: WRN (WRN RecQ like helicase; plus strand). Cytogenetic location: 8p12.
Variant type: single nucleotide variant.
Coding change: c.3538A>G on transcript NM_000553.6 (MANE Select); coding-DNA position 3538, A replaced by G.
Protein change: p.Thr1180Ala; replaces threonine 1180 with alanine.
Molecular consequence: missense variant.
Genome position (GRCh38, 1-based): chr8:31,147,442, A>G. VCF-style: chr8-31147442-A-G. GRCh37 (hg19) VCF-style: chr8-31004958-A-G.
Other names: short protein forms T1180A.
Identifiers: ClinVar variation 850917 (VCV000850917.4), dbSNP rs772910372, ClinGen allele CA4705098.
Genomic context (GRCh38, chr8:31,147,442, plus strand): 5'-TTGGTAGAAGCTAGGCAGAAACATGCCAATAAAATGGATGTTCCCCCAGCTATTCTGGCA[A>G]CAAACAAGATACTGGTGGATATGGCCAAAATGAGGTAAACTATCTTTTGCATGTGTTCTA-3'
Protein context (NP_000544.2, residues 1170-1190): KMDVPPAILA[Thr1180Ala]NKILVDMAKM

ClinVar aggregate classification (germline): Uncertain significance (1 of 4 stars; one submission).

Conditions:
Werner syndrome (WRN). Identifiers: Orphanet 902, MedGen C0043119, MONDO:0010196, OMIM 277700.

Allele frequency attached by ClinVar (database versions not stated): gnomAD exomes below 0.00001; TOPMed below 0.00001; ExAC 0.00001; gnomAD 0.00001.
gnomAD v4.1: 2 of 1,613,974 alleles (0.00012%); highest among the groups gnomAD compares: African/African-American, 0.0027%; no homozygotes.

Submission:

Labcorp Genetics (formerly Invitae), Labcorp
Classification: Uncertain significance for Werner syndrome. Last evaluated: 2021-08-27. Review status: criteria provided, single submitter. Criteria: Invitae Variant Classification Sherloc (09022015). Collection method: clinical testing. Allele origin: germline.
Comment: This sequence change replaces threonine with alanine at codon 1180 of the WRN protein (p.Thr1180Ala). The threonine residue is highly conserved and there is a small physicochemical difference between threonine and alanine. The frequency data for this variant in the population databases is considered unreliable, as metrics indicate poor data quality at this position in the ExAC database. This variant has not been reported in the literature in individuals affected with WRN-related conditions. ClinVar contains an entry for this variant (Variation ID: 850917). Algorithms developed to predict the effect of missense changes on protein structure and function are either unavailable or do not agree on the potential impact of this missense change (SIFT: "Not Available"; PolyPhen-2: "Probably Damaging"; Align-GVGD: "Not Available"). Algorithms developed to predict the effect of sequence changes on RNA splicing suggest that this variant may create or strengthen a splice site. In summary, the available evidence is currently insufficient to determine the role of this variant in disease. Therefore, it has been classified as a Variant of Uncertain Significance.